The following is an entry in ClinVar:

ClinVar aggregate classification (germline): Uncertain significance (1 of 4 stars; one submission).

Submission:

Labcorp Genetics (formerly Invitae), Labcorp
Classification: Uncertain significance. Last evaluated: 2020-10-01. Review status: criteria provided, single submitter. Criteria: Invitae Variant Classification Sherloc (09022015). Collection method: clinical testing. Allele origin: germline.
Comment: In summary, the available evidence is currently insufficient to determine the role of this variant in disease. Therefore, it has been classified as a Variant of Uncertain Significance. Algorithms developed to predict the effect of missense changes on protein structure and function output the following: SIFT: "Tolerated"; PolyPhen-2: "Benign"; Align-GVGD: "Class C0". The valine amino acid residue is found in multiple mammalian species, suggesting that this missense change does not adversely affect protein function. These predictions have not been confirmed by published functional studies and their clinical significance is uncertain. This variant has not been reported in the literature in individuals with ADGRV1-related conditions. This variant is not present in population databases (ExAC no frequency). This sequence change replaces isoleucine with valine at codon 1120 of the ADGRV1 protein (p.Ile1120Val). The isoleucine residue is moderately conserved and there is a small physicochemical difference between isoleucine and valine.

NM_032119.4(ADGRV1):c.3358A>G (p.Ile1120Val)

Gene: ADGRV1 (adhesion G protein-coupled receptor V1; plus strand). Cytogenetic location: 5q14.3.
Variant type: single nucleotide variant.
Coding change: c.3358A>G on transcript NM_032119.4 (MANE Select); coding-DNA position 3358, A replaced by G.
Protein change: p.Ile1120Val; replaces isoleucine 1120 with valine.
Molecular consequence: missense variant. On other transcripts: non-coding transcript variant (1).
Genome position (GRCh38, 1-based): chr5:90,651,672, A>G. VCF-style: chr5-90651672-A-G. GRCh37 (hg19) VCF-style: chr5-89947489-A-G.
Other names: short protein forms I1120V.
Identifiers: ClinVar variation 968841 (VCV000968841.9), dbSNP rs1768647022, ClinGen allele CA360395807.
Genomic context (GRCh38, chr5:90,651,672, plus strand): 5'-GTAGTATATCAATATGGAGTAGCTACAGTAATAATTGAAGCTAATGATGACCCAAATGGC[A>G]TTTTTTCTCTGGAGCCCATAGACAAAGCAGTGGAAGAAGGAAAGACTAATGCATTTTGGT-3'
Protein context (NP_115495.3, residues 1110-1130): IIEANDDPNG[Ile1120Val]FSLEPIDKAV